The following is an entry in ClinVar:

NM_003331.5(TYK2):c.3201-177G>T

Gene: TYK2 (tyrosine kinase 2; minus strand). Cytogenetic location: 19p13.2.
Variant type: single nucleotide variant.
Coding change: c.3201-177G>T on transcript NM_003331.5 (MANE Select); 177 bases into the intron before coding-DNA position 3201, G replaced by T.
Molecular consequence: intron variant.
Genome position (GRCh38, 1-based): chr19:10,352,728, C>A on the plus strand (G>T on the coding strand, the complement: TYK2 is on the minus strand). VCF-style: chr19-10352728-C-A. GRCh37 (hg19) VCF-style: chr19-10463404-C-A.
Identifiers: ClinVar variation 677748 (VCV000677748.2), dbSNP rs8100564, ClinGen allele CA14683266.

ClinVar aggregate classification (germline): Benign. Review status: criteria provided, multiple submitters, no conflicts (2 of 4 stars). 2 submissions from 2 submitters: Benign (2). Last evaluated 2018-06-16.

Allele frequency attached by ClinVar (database versions not stated): 1000 Genomes Project 30x 0.08948; TOPMed 0.08974; gnomAD 0.09252 and 0.09303; 1000 Genomes Project 0.09325.
gnomAD v4.1: 14,111 of 152,216 alleles (9.3%); highest among the groups gnomAD compares: Middle Eastern, 16%; 692 homozygotes.

Submissions (2):

GeneDx
Classification: Benign. Last evaluated: 2018-06-16. Review status: criteria provided, single submitter. Criteria: GeneDx Variant Classification (06012015). Collection method: clinical testing. Allele origin: germline. Affected: yes.
Comment: This variant is considered likely benign or benign based on one or more of the following criteria: it is a conservative change, it occurs at a poorly conserved position in the protein, it is predicted to be benign by multiple in silico algorithms, and/or has population frequency not consistent with disease.

Breakthrough Genomics
Classification: Benign. Review status: criteria provided, single submitter. Criteria: ACMG Guidelines, 2015. Collection method: not provided. Allele origin: germline. Inheritance: Autosomal recessive inheritance. Affected: yes.